The following is an entry in ClinVar:

ClinVar aggregate classification (germline): Pathogenic (1 of 4 stars; one submission).

Conditions:
Epidermodysplasia verruciformis. Identifiers: Orphanet 302, MedGen C0014522, MONDO:0009176.

Submission:

Labcorp Genetics (formerly Invitae), Labcorp
Classification: Pathogenic for Epidermodysplasia verruciformis. Last evaluated: 2023-11-07. Review status: criteria provided, single submitter. Criteria: Invitae Variant Classification Sherloc (09022015). Collection method: clinical testing. Allele origin: germline.
Comment: This sequence change creates a premature translational stop signal (p.Pro286Glyfs*30) in the TMC6 gene. It is expected to result in an absent or disrupted protein product. Loss-of-function variants in TMC6 are known to be pathogenic (PMID: 15042430, 17139267). This variant is not present in population databases (gnomAD no frequency). This variant has not been reported in the literature in individuals affected with TMC6-related conditions. For these reasons, this variant has been classified as Pathogenic.

Literature cited by the submitters: PubMed 15042430; PubMed 17139267.

NM_001127198.5(TMC6):c.846_855dup (p.Pro286fs)

Gene: TMC6 (transmembrane channel like 6; minus strand). Cytogenetic location: 17q25.3.
Variant type: Duplication.
Coding change: c.846_855dup on transcript NM_001127198.5 (MANE Select); coding-DNA positions 846 to 855, 10 bases duplicated (GGGCCCTGCC; older notation c.846_855dupGGGCCCTGCC).
Protein change: p.Pro286fs; shifts the reading frame from proline 286.
Molecular consequence: frameshift variant. On other transcripts: non-coding transcript variant (4).
Genome position (GRCh38, 1-based): chr17:78,124,560-78,124,569, GGCAGGGCCC duplicated on the plus strand (GGGCCCTGCC on the coding strand, the reverse complement: TMC6 is on the minus strand); duplicating any 10 consecutive bases within chr17:78,124,560-78,124,577 gives the same sequence; the c. name uses the placement nearest the transcript's 3' end. VCF-style (leftmost placement, unchanged base first): chr17-78124559-G-GGGCAGGGCCC. GRCh37 (hg19) VCF-style: chr17-76120640-G-GGGCAGGGCCC.
Other names: c.846_855dup, p.Pro286fs (NM_001321185.1, NM_001374593.1, NM_001374594.1 and 4 more transcripts); short protein forms P286fs.
Identifiers: ClinVar variation 2694155 (VCV002694155.3), dbSNP rs1468619952, ClinGen allele CA775326470.
Genomic context (GRCh38, chr17:78,124,559, plus strand): 5'-TCCCCCAGTCCTAGGGCTTCCTCACCGCGCCTGTGAGGAGCTCCAGGCCTGTGCAGACGG[G>GGGCAGGGCCC]GGCAGGGCCCGGCAGGGCGGGTGGGAAGGCGACCTGAGGGCCCATGATGAAGGCCACCAG-3'